The following is an entry in ClinVar:

NM_014391.3(ANKRD1):c.346-15T>A

Gene: ANKRD1 (ankyrin repeat domain 1; minus strand). Cytogenetic location: 10q23.31.
Variant type: single nucleotide variant.
Coding change: c.346-15T>A on transcript NM_014391.3 (MANE Select); 15 bases into the intron before coding-DNA position 346, T replaced by A.
Molecular consequence: intron variant.
Genome position (GRCh38, 1-based): chr10:90,918,987, A>T on the plus strand (T>A on the coding strand, the complement: ANKRD1 is on the minus strand). VCF-style: chr10-90918987-A-T. GRCh37 (hg19) VCF-style: chr10-92678744-A-T.
Identifiers: ClinVar variation 136403 (VCV000136403.32), dbSNP rs11595794, ClinGen allele CA333052.

ClinVar aggregate classification (germline): Benign/Likely benign. Review status: criteria provided, multiple submitters, no conflicts (2 of 4 stars). 11 submissions from 11 submitters: Benign (5); Likely benign (2). 4 of the submissions do not count toward it. Last evaluated 2026-02-03.

Conditions:
ANKRD1-related disorder. Also called: ANKRD1-related condition.
ANKRD1-related dilated cardiomyopathy. Identifiers: MedGen CN119551.
Hypertrophic cardiomyopathy 2. Also called: TNNT2-Related Familial Hypertrophic Cardiomyopathy. Identifiers: MedGen C1861864, MONDO:0007266, OMIM 115195.
Primary dilated cardiomyopathy (DCM). Also called: Dilated Cardiomyopathy. Identifiers: Orphanet 217604, MedGen C0007193, MeSH D002311, MONDO:0005021, HP:0001644. Inheritance: Various modes of inheritance.

Allele frequency attached by ClinVar (database versions not stated): gnomAD exomes 0.00190; gnomAD 0.01808 and 0.01849; ExAC 0.01959; 1000 Genomes Project 0.81010.

Submissions (13):

Labcorp Genetics (formerly Invitae), Labcorp
Classification: Benign for ANKRD1-related dilated cardiomyopathy. Last evaluated: 2026-02-03. Review status: criteria provided, single submitter. Criteria: Invitae Variant Classification Sherloc (09022015). Collection method: clinical testing. Allele origin: germline.

ARUP Laboratories, Molecular Genetics and Genomics, ARUP Laboratories
Classification: Benign. Last evaluated: 2023-11-03. Review status: criteria provided, single submitter. Criteria: ARUP Molecular Germline Variant Investigation Process 2024. Collection method: clinical testing. Allele origin: germline.

Women's Health and Genetics/Laboratory Corporation of America, LabCorp
Classification: Benign. Last evaluated: 2023-07-21. Review status: criteria provided, single submitter. Criteria: LabCorp Variant Classification Summary - May 2015. Collection method: clinical testing. Allele origin: germline.

Illumina Laboratory Services, Illumina
Classification: Likely benign for Primary dilated cardiomyopathy. Last evaluated: 2018-01-12. Review status: criteria provided, single submitter. Criteria: ICSL Variant Classification Criteria 13 December 2019. Collection method: clinical testing. Allele origin: germline.
Comment: This variant was observed in the ICSL laboratory as part of a predisposition screen in an ostensibly healthy population. It had not been previously curated by ICSL or reported in the Human Gene Mutation Database (HGMD: prior to June 1st, 2018), and was therefore a candidate for classification through an automated scoring system. Utilizing variant allele frequency, disease prevalence and penetrance estimates, and inheritance mode, an automated score was calculated to assess if this variant is too frequent to cause the disease. Based on the score and internal cut-off values, a variant classified as likely benign is not then subjected to further curation. The score for this variant resulted in a classification of likely benign for this disease.

Mayo Clinic Laboratories, Mayo Clinic
Classification: Benign. Last evaluated: 2014-05-08. Review status: criteria provided, single submitter. Criteria: ACMG Guidelines, 2015. Collection method: clinical testing. Allele origin: germline. Observed: 618 variant alleles.

GeneDx
Classification: Benign. Last evaluated: 2012-10-31. Review status: criteria provided, single submitter. Criteria: GeneDx Variant Classification (06012015). Collection method: clinical testing. Allele origin: germline. Affected: yes.
Comment: This variant is considered likely benign or benign based on one or more of the following criteria: it is a conservative change, it occurs at a poorly conserved position in the protein, it is predicted to be benign by multiple in silico algorithms, and/or has population frequency not consistent with disease.

Breakthrough Genomics
Classification: Likely benign. Review status: criteria provided, single submitter. Criteria: ACMG Guidelines, 2015. Collection method: not provided. Allele origin: germline. Inheritance: Unknown mechanism. Affected: yes.

PreventionGenetics, part of Exact Sciences
Classification: Likely benign for ANKRD1-related condition. Last evaluated: 2021-06-18. Review status: no assertion criteria provided. Collection method: clinical testing. Allele origin: germline. Not counted in ClinVar's aggregate classification.
Comment: This variant is classified as likely benign based on ACMG/AMP sequence variant interpretation guidelines (Richards et al. 2015 PMID: 25741868, with internal and published modifications).

Clinical Genetics, Academic Medical Center
Classification: Benign. Review status: no assertion criteria provided. Collection method: clinical testing. Allele origin: germline. Affected: yes. Study: VKGL Data-share Consensus. Not counted in ClinVar's aggregate classification.

Dr. Peter K. Rogan Lab, Western University
No classification provided (evidence only). Condition: Uterine carcinosarcoma. Review status: no classification provided. Collection method: in vitro. Allele origin: not applicable. Functional consequence: retained intron. Not counted in ClinVar's aggregate classification.

Dr. Peter K. Rogan Lab, Western University
No classification provided (evidence only). Condition: Uterine carcinosarcoma. Review status: no classification provided. Collection method: in vitro. Allele origin: not applicable. Functional consequence: retained intron. Not counted in ClinVar's aggregate classification.

Institute of Human Genetics, University of Wuerzburg
No classification provided. Condition: Hypertrophic cardiomyopathy 2. Review status: no classification provided. Collection method: clinical testing. Allele origin: unknown. Affected: yes. Observed: 1 variant allele. Not counted in ClinVar's aggregate classification.

Joint Genome Diagnostic Labs from Nijmegen and Maastricht, Radboudumc and MUMC+
Classification: Benign. Review status: no assertion criteria provided. Collection method: clinical testing. Allele origin: germline. Affected: yes. Study: VKGL Data-share Consensus. Not counted in ClinVar's aggregate classification.